The following is an entry in ClinVar:

NM_001365951.3(KIF1B):c.4310G>A (p.Arg1437Gln)

Gene: KIF1B (kinesin family member 1B; plus strand). Cytogenetic location: 1p36.22.
Variant type: single nucleotide variant.
Coding change: c.4310G>A on transcript NM_001365951.3 (MANE Select); coding-DNA position 4310, G replaced by A.
Protein change: p.Arg1437Gln; replaces arginine 1437 with glutamine.
Molecular consequence: missense variant.
Genome position (GRCh38, 1-based): chr1:10,363,288, G>A. VCF-style: chr1-10363288-G-A. GRCh37 (hg19) VCF-style: chr1-10423346-G-A.
Other names: c.4310G>A, p.Arg1437Gln (NM_001365952.1); c.4172G>A, p.Arg1391Gln (NM_015074.3); short protein forms R1437Q, R1391Q.
Identifiers: ClinVar variation 1738426 (VCV001738426.5), dbSNP rs2521897942, ClinGen allele CA338318546.

ClinVar aggregate classification (germline): Uncertain significance. Review status: criteria provided, multiple submitters, no conflicts (2 of 4 stars). 2 submissions from 2 submitters: Uncertain significance (2). Last evaluated 2023-06-29.

Conditions:
Charcot-Marie-Tooth disease type 2. Also called: Charcot-Marie-Tooth type 2. Identifiers: Orphanet 64746, MedGen C0270914, MONDO:0018993.

Allele frequency attached by ClinVar (database versions not stated): gnomAD exomes below 0.00001.
gnomAD v4.1: 3 of 1,612,216 alleles (0.00019%); highest among the groups gnomAD compares: Non-Finnish European, 0.00025%; no homozygotes.

Submissions (2):

Labcorp Genetics (formerly Invitae), Labcorp
Classification: Uncertain significance for Charcot-Marie-Tooth disease type 2. Last evaluated: 2023-06-29. Review status: criteria provided, single submitter. Criteria: Invitae Variant Classification Sherloc (09022015). Collection method: clinical testing. Allele origin: germline.
Comment: This sequence change replaces arginine, which is basic and polar, with glutamine, which is neutral and polar, at codon 1391 of the KIF1B protein (p.Arg1391Gln). This variant is not present in population databases (gnomAD no frequency). This variant has not been reported in the literature in individuals affected with KIF1B-related conditions. ClinVar contains an entry for this variant (Variation ID: 1738426). An algorithm developed to predict the effect of missense changes on protein structure and function (PolyPhen-2) suggests that this variant is likely to be tolerated. In summary, the available evidence is currently insufficient to determine the role of this variant in disease. Therefore, it has been classified as a Variant of Uncertain Significance.

Ambry Genetics
Classification: Uncertain significance. Last evaluated: 2022-03-24. Review status: criteria provided, single submitter. Criteria: Ambry Variant Classification Scheme 2023. Collection method: clinical testing. Allele origin: germline.
Comment: The p.R1391Q variant (also known as c.4172G>A), located in coding exon 38 of the KIF1B gene, results from a G to A substitution at nucleotide position 4172. The arginine at codon 1391 is replaced by glutamine, an amino acid with highly similar properties. This amino acid position is conserved. In addition, the in silico prediction for this alteration is inconclusive. Since supporting evidence is limited at this time, the clinical significance of this alteration remains unclear.